The following is an entry in ClinVar:

ClinVar aggregate classification (germline): Likely benign. Review status: criteria provided, multiple submitters, no conflicts (2 of 4 stars). 6 submissions from 6 submitters: Likely benign (5). 1 of the submissions does not count toward it. Last evaluated 2026-03-13.

Conditions:
SZT2-related disorder. Also called: SZT2-related condition.
Developmental and epileptic encephalopathy, 18 (DEE18). Also called: Early infantile epileptic encephalopathy 18. Identifiers: Orphanet 369894, MedGen C3809624, MONDO:0014201, OMIM 615476.

Allele frequency attached by ClinVar (database versions not stated): gnomAD exomes 0.00005; TOPMed 0.00005; gnomAD 0.00006; ExAC 0.00008; ESP Exome Variant Server 0.00008.
gnomAD v4.1: 100 of 1,613,292 alleles (0.0062%); highest among the groups gnomAD compares: Non-Finnish European, 0.0083%; no homozygotes.

Submissions (6):

Women's Health and Genetics/Laboratory Corporation of America, LabCorp
Classification: Likely benign. Last evaluated: 2026-03-13. Review status: criteria provided, single submitter. Criteria: LabCorp Variant Classification Summary - May 2015. Collection method: clinical testing. Allele origin: germline.

Labcorp Genetics (formerly Invitae), Labcorp
Classification: Likely benign. Last evaluated: 2025-10-10. Review status: criteria provided, single submitter. Criteria: Invitae Variant Classification Sherloc (09022015). Collection method: clinical testing. Allele origin: germline.

CeGaT Center for Human Genetics Tuebingen
Classification: Likely benign. Last evaluated: 2023-09-01. Review status: criteria provided, single submitter. Criteria: CeGaT Center For Human Genetics Tuebingen Variant Classification Criteria Version 2. Collection method: clinical testing. Allele origin: germline. Affected: yes. Observed: 1 variant allele.
Comment: SZT2: BP4, BP7

Genome-Nilou Lab
Classification: Likely benign for Developmental and epileptic encephalopathy, 18. Last evaluated: 2023-04-11. Review status: criteria provided, single submitter. Criteria: ACMG Guidelines, 2015. Collection method: clinical testing. Allele origin: germline. Affected: no.

GeneDx
Classification: Likely benign. Last evaluated: 2021-05-06. Review status: criteria provided, single submitter. Criteria: GeneDx Variant Classification Process June 2021. Collection method: clinical testing. Allele origin: germline. Affected: yes.

PreventionGenetics, part of Exact Sciences
Classification: Likely benign for SZT2-related condition. Last evaluated: 2019-09-09. Review status: no assertion criteria provided. Collection method: clinical testing. Allele origin: germline. Not counted in ClinVar's aggregate classification.
Comment: This variant is classified as likely benign based on ACMG/AMP sequence variant interpretation guidelines (Richards et al. 2015 PMID: 25741868, with internal and published modifications).

NM_001365999.1(SZT2):c.3306C>T (p.Ser1102=)

Gene: SZT2 (SZT2 subunit of KICSTOR complex; plus strand). Cytogenetic location: 1p34.2.
Variant type: single nucleotide variant.
Coding change: c.3306C>T on transcript NM_001365999.1 (MANE Select); coding-DNA position 3306, C replaced by T.
Protein change: p.Ser1102=; no amino-acid change (serine 1102 retained).
Molecular consequence: synonymous variant.
Genome position (GRCh38, 1-based): chr1:43,426,806, C>T. VCF-style: chr1-43426806-C-T. GRCh37 (hg19) VCF-style: chr1-43892477-C-T.
Other names: c.3135C>T, p.Ser1045= (NM_015284.4).
Identifiers: ClinVar variation 696518 (VCV000696518.38), dbSNP rs370803181, ClinGen allele CA808938.